The following is an entry in ClinVar:

ClinVar aggregate classification (germline): Uncertain significance (1 of 4 stars; one submission).

Conditions:
Congenital myotonia, autosomal dominant form (THD). Also called: THOMSEN DISEASE; Myotonia congenita autosomal dominant. Identifiers: Orphanet 614, MedGen C2936781, MONDO:0008055, OMIM 160800.
Congenital myotonia, autosomal recessive form. Also called: BECKER DISEASE; Becker Generalized Myotonia; myotonia congenita, autosomal recessive. Identifiers: Orphanet 614, MedGen C0751360, MONDO:0009715, OMIM 255700.

Submission:

Labcorp Genetics (formerly Invitae), Labcorp
Classification: Uncertain significance for Congenital myotonia, autosomal recessive form; Congenital myotonia, autosomal dominant form. Last evaluated: 2024-08-30. Review status: criteria provided, single submitter. Criteria: Invitae Variant Classification Sherloc (09022015). Collection method: clinical testing. Allele origin: germline.
Comment: This sequence change affects codon 409 of the CLCN1 mRNA. It is a 'silent' change, meaning that it does not change the encoded amino acid sequence of the CLCN1 protein. This variant is not present in population databases (gnomAD no frequency). This variant has not been reported in the literature in individuals affected with CLCN1-related conditions. Algorithms developed to predict the effect of sequence changes on RNA splicing suggest that this variant may disrupt the consensus splice site. In summary, the available evidence is currently insufficient to determine the role of this variant in disease. Therefore, it has been classified as a Variant of Uncertain Significance.

NM_000083.3(CLCN1):c.1227A>T (p.Gly409=)

Gene: CLCN1 (chloride voltage-gated channel 1; plus strand). Cytogenetic location: 7q34.
Variant type: single nucleotide variant.
Coding change: c.1227A>T on transcript NM_000083.3 (MANE Select); coding-DNA position 1227, A replaced by T.
Protein change: p.Gly409=; no amino-acid change (glycine 409 retained).
Molecular consequence: synonymous variant. On other transcripts: non-coding transcript variant (1).
Genome position (GRCh38, 1-based): chr7:143,332,479, A>T. VCF-style: chr7-143332479-A-T. GRCh37 (hg19) VCF-style: chr7-143029572-A-T.
Identifiers: ClinVar variation 2936470 (VCV002936470.3), dbSNP rs2487063729, ClinGen allele CA458281418.